The following is an entry in ClinVar:

NM_000363.5(TNNI3):c.549+128A>C

Gene: TNNI3 (troponin I3, cardiac type; minus strand). Cytogenetic location: 19q13.42.
Variant type: single nucleotide variant.
Coding change: c.549+128A>C on transcript NM_000363.5 (MANE Select); 128 bases into the intron after coding-DNA position 549, A replaced by C.
Molecular consequence: intron variant.
Genome position (GRCh38, 1-based): chr19:55,153,902, T>G on the plus strand (A>C on the coding strand, the complement: TNNI3 is on the minus strand). VCF-style: chr19-55153902-T-G. GRCh37 (hg19) VCF-style: chr19-55665270-T-G.
Identifiers: ClinVar variation 675345 (VCV000675345.1), dbSNP rs10414696, ClinGen allele CA310146189.
Genomic context (GRCh38, chr19:55,153,902, plus strand): 5'-TTCCTGTAGCCCTAATGCACTTCCTGTCTTCCCCTTCTACTTCCTGTCTTCCTCTTGCAT[T>G]TCTGAGGACCCCTTACTAGCTGCTTCTACCTCCAACTCCAAGCACCATCTGCCCTCAGGC-3'

ClinVar aggregate classification (germline): Benign (1 of 4 stars; one submission).

Allele frequency attached by ClinVar (database versions not stated): gnomAD exomes 0.00313; gnomAD 0.02940 and 0.03166; TOPMed 0.03340; 1000 Genomes Project 0.03494; 1000 Genomes Project 30x 0.03810.
gnomAD v4.1: 7,304 of 1,021,706 alleles (0.71%); highest among the groups gnomAD compares: African/African-American, 10%; 320 homozygotes.

Submission:

GeneDx
Classification: Benign. Last evaluated: 2018-06-19. Review status: criteria provided, single submitter. Criteria: GeneDx Variant Classification (06012015). Collection method: clinical testing. Allele origin: germline. Affected: yes.
Comment: This variant is considered likely benign or benign based on one or more of the following criteria: it is a conservative change, it occurs at a poorly conserved position in the protein, it is predicted to be benign by multiple in silico algorithms, and/or has population frequency not consistent with disease.